The following is an entry in ClinVar:

NM_015978.3(TNNI3K):c.815C>T (p.Thr272Ile)

Genes: FPGT-TNNI3K (FPGT-TNNI3K readthrough; plus strand), TNNI3K (TNNI3 interacting kinase; plus strand). Cytogenetic location: 1p31.1.
Variant type: single nucleotide variant.
Coding change: c.815C>T on transcript NM_015978.3 (MANE Select); coding-DNA position 815, C replaced by T.
Protein change: p.Thr272Ile; replaces threonine 272 with isoleucine.
Molecular consequence: missense variant.
Genome position (GRCh38, 1-based): chr1:74,342,974, C>T. VCF-style: chr1-74342974-C-T. GRCh37 (hg19) VCF-style: chr1-74808658-C-T.
Other names: c.1118C>T, p.Thr373Ile (NM_001112808.3, NM_001199327.2); short protein forms T272I, T373I.
Identifiers: ClinVar variation 2834374 (VCV002834374.3), dbSNP rs922125141, ClinGen allele CA340781944.

ClinVar aggregate classification (germline): Uncertain significance (1 of 4 stars; one submission).

Submission:

Labcorp Genetics (formerly Invitae), Labcorp
Classification: Uncertain significance. Last evaluated: 2024-02-19. Review status: criteria provided, single submitter. Criteria: Invitae Variant Classification Sherloc (09022015). Collection method: clinical testing. Allele origin: germline.
Comment: This sequence change replaces threonine, which is neutral and polar, with isoleucine, which is neutral and non-polar, at codon 272 of the TNNI3K protein (p.Thr272Ile). This variant is not present in population databases (gnomAD no frequency). This variant has not been reported in the literature in individuals affected with TNNI3K-related conditions. Algorithms developed to predict the effect of missense changes on protein structure and function output the following: SIFT: "Not Available"; PolyPhen-2: "Probably Damaging"; Align-GVGD: "Not Available". The isoleucine amino acid residue is found in multiple mammalian species, which suggests that this missense change does not adversely affect protein function. In summary, the available evidence is currently insufficient to determine the role of this variant in disease. Therefore, it has been classified as a Variant of Uncertain Significance.